The following is an entry in ClinVar:

ClinVar aggregate classification (germline): Uncertain significance (1 of 4 stars; one submission).

Conditions:
Kabuki syndrome. Also called: Kabuki make-up syndrome; NIIKAWA-KUROKI SYNDROME. Identifiers: Orphanet 2322, MedGen C0796004, MONDO:0016512.

Submission:

Labcorp Genetics (formerly Invitae), Labcorp
Classification: Uncertain significance for Kabuki syndrome. Last evaluated: 2024-02-24. Review status: criteria provided, single submitter. Criteria: Invitae Variant Classification Sherloc (09022015). Collection method: clinical testing. Allele origin: germline.
Comment: This sequence change replaces proline, which is neutral and non-polar, with threonine, which is neutral and polar, at codon 1714 of the KMT2D protein (p.Pro1714Thr). This variant is not present in population databases (gnomAD no frequency). This variant has not been reported in the literature in individuals affected with KMT2D-related conditions. ClinVar contains an entry for this variant (Variation ID: 1974959). Advanced modeling of protein sequence and biophysical properties (such as structural, functional, and spatial information, amino acid conservation, physicochemical variation, residue mobility, and thermodynamic stability) performed at Invitae indicates that this missense variant is not expected to disrupt KMT2D protein function with a negative predictive value of 95%. In summary, the available evidence is currently insufficient to determine the role of this variant in disease. Therefore, it has been classified as a Variant of Uncertain Significance.

NM_003482.4(KMT2D):c.5140C>A (p.Pro1714Thr)

Gene: KMT2D (lysine methyltransferase 2D; minus strand). Cytogenetic location: 12q13.12.
Variant type: single nucleotide variant.
Coding change: c.5140C>A on transcript NM_003482.4 (MANE Select); coding-DNA position 5140, C replaced by A.
Protein change: p.Pro1714Thr; replaces proline 1714 with threonine.
Molecular consequence: missense variant.
Genome position (GRCh38, 1-based): chr12:49,044,248, G>T on the plus strand (C>A on the coding strand, the complement: KMT2D is on the minus strand). VCF-style: chr12-49044248-G-T. GRCh37 (hg19) VCF-style: chr12-49438031-G-T.
Other names: short protein forms P1714T.
Identifiers: ClinVar variation 1974959 (VCV001974959.5), dbSNP rs2498417953, ClinGen allele CA384636477.